The following is an entry in ClinVar:

ClinVar aggregate classification (germline): Likely pathogenic (1 of 4 stars; one submission).

Conditions:
Fanconi anemia (FA). Also called: Fanconi's anemia. Identifiers: Orphanet 84, MedGen C0015625, MeSH D005199, MONDO:0019391.

Submission:

Labcorp Genetics (formerly Invitae), Labcorp
Classification: Likely pathogenic for Fanconi anemia. Last evaluated: 2023-05-11. Review status: criteria provided, single submitter. Criteria: Invitae Variant Classification Sherloc (09022015). Collection method: clinical testing. Allele origin: unknown.
Comment: In summary, the currently available evidence indicates that the variant is pathogenic, but additional data are needed to prove that conclusively. Therefore, this variant has been classified as Likely Pathogenic. This variant has not been reported in the literature in individuals affected with FANCI-related conditions. This variant results in a copy number gain of the genomic region encompassing exon(s) 5-6 of the FANCI gene. While the exact position of this variant cannot be determined from the data, sub-genic copy number gains are generally in tandem (PMID: 25640679). This variant is predicted to be out-of-frame, and may result in an absent or disrupted protein product. Loss-of-function variants in FANCI are known to be pathogenic (PMID: 17452773, 17460694).

Literature cited by the submitters: PubMed 25640679; PubMed 17452773; PubMed 17460694.

NC_000015.9:g.(?_89804796)_(89805129_?)dup

Gene: FANCI (FA complementation group I; plus strand). Cytogenetic location: 15q26.1.
Variant type: Duplication.
Identifiers: ClinVar variation 3243708 (VCV003243708.1).